The following is an entry in ClinVar:

NM_001369.3(DNAH5):c.12074_12075insTGTCTCTTATACACAG (p.Glu4026fs)

Gene: DNAH5 (dynein axonemal heavy chain 5; minus strand). Cytogenetic location: 5p15.2.
Variant type: Insertion.
Coding change: c.12074_12075insTGTCTCTTATACACAG on transcript NM_001369.3 (MANE Select); coding-DNA positions 12074 to 12075, TGTCTCTTATACACAG inserted.
Protein change: p.Glu4026fs; shifts the reading frame from glutamic acid 4026.
Molecular consequence: frameshift variant.
Genome position: GRCh38 VCF-style: chr5-13721204-G-GCTGTGTATAAGAGACA. GRCh37 (hg19) VCF-style: chr5-13721313-G-GCTGTGTATAAGAGACA.
Other names: short protein forms E4026fs.
Identifiers: ClinVar variation 1724910 (VCV001724910.2), dbSNP rs2546525857, ClinGen allele CA2580072017.

ClinVar aggregate classification (germline): Likely pathogenic (1 of 4 stars; one submission).

Conditions:
Primary ciliary dyskinesia 3. Identifiers: Orphanet 244, MedGen C1837618, MONDO:0012085, OMIM 608644.

Submission:

Myriad Genetics, Inc.
Classification: Likely pathogenic for Primary ciliary dyskinesia 3. Last evaluated: 2022-03-02. Review status: criteria provided, single submitter. Criteria: Myriad Women's Health Autosomal Recessive and X-Linked Classification Criteria (2021). Collection method: clinical testing. Allele origin: unknown.
Comment: NM_001369.2(DNAH5):c.12074_12075ins16(E4026Vfs*20) is expected to be pathogenic in the context of DNAH5-related primary ciliary dyskinesia. This variant is predicted to lead to an abnormal or absent protein product due to the creation of a premature termination codon in DNAH5, a gene where loss-of-function variants are known to be pathogenic. Please note: this variant was assessed in the context of healthy population screening.